The following is an entry in ClinVar:

NM_003816.3(ADAM9):c.*954A>T

Gene: ADAM9 (ADAM metallopeptidase domain 9; plus strand). Cytogenetic location: 8p11.22.
Variant type: single nucleotide variant.
Coding change: c.*954A>T on transcript NM_003816.3 (MANE Select); 954 bases downstream of the stop codon, A replaced by T.
Molecular consequence: 3 prime UTR variant. On other transcripts: non-coding transcript variant (3).
Genome position (GRCh38, 1-based): chr8:39,104,654, A>T. VCF-style: chr8-39104654-A-T. GRCh37 (hg19) VCF-style: chr8-38962173-A-T.
Identifiers: ClinVar variation 908642 (VCV000908642.4), dbSNP rs368056753, ClinGen allele CA4721977.
Genomic context (GRCh38, chr8:39,104,654, plus strand): 5'-CATGAGCACTTTAAAATCTGAACTTTCAAAGCTTGCTATTAAATCATTTAGAATGTTTAC[A>T]TTTACTAAGGTGTGCTGGGTCATGTAAAATATTAGACACTAATATTTTCATAGAAATTAG-3'

ClinVar aggregate classification (germline): Likely benign (1 of 4 stars; one submission).

Conditions:
Cone-rod dystrophy 9 (CORD9). Identifiers: Orphanet 1872, MedGen C1423873, MONDO:0013002, OMIM 612775.

Allele frequency attached by ClinVar (database versions not stated): TOPMed 0.00159; 1000 Genomes Project 0.00339; 1000 Genomes Project 30x 0.00359; gnomAD exomes 0.00418 and 0.00453; ExAC 0.01183.
gnomAD v4.1: 1,554 of 450,756 alleles (0.34%); highest among the groups gnomAD compares: South Asian, 1.2%; 16 homozygotes.

Submission:

Illumina Laboratory Services, Illumina
Classification: Likely benign for Cone-rod dystrophy 9. Last evaluated: 2018-01-13. Review status: criteria provided, single submitter. Criteria: ICSL Variant Classification Criteria 13 December 2019. Collection method: clinical testing. Allele origin: germline.
Comment: This variant was observed in the ICSL laboratory as part of a predisposition screen in an ostensibly healthy population. It had not been previously curated by ICSL or reported in the Human Gene Mutation Database (HGMD: prior to June 1st, 2018), and was therefore a candidate for classification through an automated scoring system. Utilizing variant allele frequency, disease prevalence and penetrance estimates, and inheritance mode, an automated score was calculated to assess if this variant is too frequent to cause the disease. Based on the score and internal cut-off values, a variant classified as likely benign is not then subjected to further curation. The score for this variant resulted in a classification of likely benign for this disease.